The following is an entry in ClinVar:

ClinVar aggregate classification (germline): Uncertain significance. Review status: criteria provided, multiple submitters, no conflicts (2 of 4 stars). 3 submissions from 3 submitters: Uncertain significance (3). Last evaluated 2025-09-09.

Conditions:
Inosine triphosphatase deficiency. Also called: INOSINE TRIPHOSPHATE PYROPHOSPHOHYDROLASE DEFICIENCY. Identifiers: MedGen C0342800, MONDO:0013461, OMIM 613850.
Inborn genetic diseases. Identifiers: MedGen C0950123, MeSH D030342.

Allele frequency attached by ClinVar (database versions not stated): ExAC 0.00003; gnomAD exomes 0.00006; TOPMed 0.00006; gnomAD 0.00008 and 0.00009; ESP Exome Variant Server 0.00015.
gnomAD v4.1: 108 of 1,613,780 alleles (0.0067%); highest among the groups gnomAD compares: Middle Eastern, 0.017%; no homozygotes.

Submissions (3):

Ambry Genetics
Classification: Uncertain significance for Inborn genetic diseases. Last evaluated: 2025-09-09. Review status: criteria provided, single submitter. Criteria: Ambry Variant Classification Scheme 2023. Collection method: clinical testing. Allele origin: germline.

Blueprint Genetics
Classification: Uncertain significance. Last evaluated: 2024-11-25. Review status: criteria provided, single submitter. Criteria: ACMG Guidelines, 2015. Collection method: clinical testing. Allele origin: germline.

Labcorp Genetics (formerly Invitae), Labcorp
Classification: Uncertain significance for Inosine triphosphatase deficiency. Last evaluated: 2023-10-03. Review status: criteria provided, single submitter. Criteria: Invitae Variant Classification Sherloc (09022015). Collection method: clinical testing. Allele origin: germline.
Comment: This sequence change replaces arginine, which is basic and polar, with cysteine, which is neutral and slightly polar, at codon 62 of the ITPA protein (p.Arg62Cys). This variant is present in population databases (rs201119006, gnomAD 0.009%). This variant has not been reported in the literature in individuals affected with ITPA-related conditions. ClinVar contains an entry for this variant (Variation ID: 579389). Algorithms developed to predict the effect of missense changes on protein structure and function output the following: SIFT: "Not Available"; PolyPhen-2: "Benign"; Align-GVGD: "Not Available". The cysteine amino acid residue is found in multiple mammalian species, which suggests that this missense change does not adversely affect protein function. Algorithms developed to predict the effect of sequence changes on RNA splicing suggest that this variant may disrupt the consensus splice site. In summary, the available evidence is currently insufficient to determine the role of this variant in disease. Therefore, it has been classified as a Variant of Uncertain Significance.

NM_033453.4(ITPA):c.184C>T (p.Arg62Cys)

Gene: ITPA (inosine triphosphatase; plus strand). Cytogenetic location: 20p13.
Variant type: single nucleotide variant.
Coding change: c.184C>T on transcript NM_033453.4 (MANE Select); coding-DNA position 184, C replaced by T.
Protein change: p.Arg62Cys; replaces arginine 62 with cysteine.
Molecular consequence: missense variant. On other transcripts: 5 prime UTR variant (4), intron variant (1).
Genome position (GRCh38, 1-based): chr20:3,213,378, C>T. VCF-style: chr20-3213378-C-T. GRCh37 (hg19) VCF-style: chr20-3194024-C-T.
Other names: c.184C>T (NM_033453.2); c.-154C>T (NM_001324236.2, NM_001324237.2, NM_001324238.2 and 1 more transcripts); c.184C>T, p.Arg62Cys (NM_001324240.2); c.133C>T, p.Arg45Cys (NM_181493.4); c.67-607C>T (NM_001267623.2); short protein forms R62C, R45C.
Identifiers: ClinVar variation 579389 (VCV000579389.11), dbSNP rs201119006, ClinGen allele CA9741190.